The following is an entry in ClinVar:

NM_001184.4(ATR):c.3776C>A (p.Pro1259Gln)

Gene: ATR (ATR checkpoint kinase; minus strand). Cytogenetic location: 3q23.
Variant type: single nucleotide variant.
Coding change: c.3776C>A on transcript NM_001184.4 (MANE Select); coding-DNA position 3776, C replaced by A.
Protein change: p.Pro1259Gln; replaces proline 1259 with glutamine.
Molecular consequence: missense variant.
Genome position (GRCh38, 1-based): chr3:142,536,151, G>T on the plus strand (C>A on the coding strand, the complement: ATR is on the minus strand). VCF-style: chr3-142536151-G-T. GRCh37 (hg19) VCF-style: chr3-142254993-G-T.
Other names: c.3584C>A, p.Pro1195Gln (NM_001354579.2); short protein forms P1195Q, P1259Q.
Identifiers: ClinVar variation 1734797 (VCV001734797.2), dbSNP rs1490730413, ClinGen allele CA354806775.

ClinVar aggregate classification (germline): Uncertain significance (1 of 4 stars; one submission).

Conditions:
Inborn genetic diseases. Identifiers: MedGen C0950123, MeSH D030342.

Submission:

Ambry Genetics
Classification: Uncertain significance for Inborn genetic diseases. Last evaluated: 2022-03-08. Review status: criteria provided, single submitter. Criteria: Ambry Variant Classification Scheme 2023. Collection method: clinical testing. Allele origin: germline.
Comment: The p.P1259Q variant (also known as c.3776C>A), located in coding exon 20 of the ATR gene, results from a C to A substitution at nucleotide position 3776. The proline at codon 1259 is replaced by glutamine, an amino acid with similar properties. This amino acid position is conserved. In addition, this alteration is predicted to be tolerated by in silico analysis. Since supporting evidence is limited at this time, the clinical significance of this alteration remains unclear.